The following is an entry in ClinVar:

NM_170665.4(ATP2A2):c.2778del (p.Trp927fs)

Gene: ATP2A2 (ATPase sarcoplasmic/endoplasmic reticulum Ca2+ transporting 2; plus strand). Cytogenetic location: 12q24.11.
Variant type: Deletion.
Coding change: c.2778del on transcript NM_170665.4 (MANE Select); coding-DNA position 2778, one base deleted (C; older notation c.2778delC).
Protein change: p.Trp927fs; shifts the reading frame from tryptophan 927.
Molecular consequence: frameshift variant.
Genome position (GRCh38, 1-based): chr12:110,346,037, C deleted; the last of 6 consecutive C bases (chr12:110,346,032-110,346,037); deleting any one gives the same sequence. VCF-style (leftmost placement, unchanged base first): chr12-110346031-GC-G. GRCh37 (hg19) VCF-style: chr12-110783836-GC-G.
Other names: c.2778del, p.Trp927fs (NM_001681.4); short protein forms W927fs.
Identifiers: ClinVar variation 817298 (VCV000817298.1), dbSNP rs1592868802, ClinGen allele CA645586991.

ClinVar aggregate classification (germline): Likely pathogenic (1 of 4 stars; one submission).

Submission:

GeneDx
Classification: Likely pathogenic. Last evaluated: 2018-10-17. Review status: criteria provided, single submitter. Criteria: GeneDx Variant Classification (06012015). Collection method: clinical testing. Allele origin: germline. Affected: yes.
Comment: The c.2778delC variant in the ATP2A2 gene causes a frameshift starting with codon Tryptophan 927, changes this amino acid to a Glycine residue and creates a premature Stop codon at position 19 of the new reading frame, denoted p.W927GfsX19. This likely pathogenic variant is predicted to cause loss of normal protein function through protein truncation as the last 116 correct amino acids are replaced with 18 aberrant amino acids. The c.2778delC variant is not observed in large population cohorts (Lek et al., 2016).